The following is an entry in ClinVar:

NM_024741.3(ZNF408):c.1318G>A (p.Asp440Asn)

Gene: ZNF408 (zinc finger protein 408; plus strand). Cytogenetic location: 11p11.2.
Variant type: single nucleotide variant.
Coding change: c.1318G>A on transcript NM_024741.3 (MANE Select); coding-DNA position 1318, G replaced by A.
Protein change: p.Asp440Asn; replaces aspartic acid 440 with asparagine.
Molecular consequence: missense variant.
Genome position (GRCh38, 1-based): chr11:46,705,018, G>A. VCF-style: chr11-46705018-G-A. GRCh37 (hg19) VCF-style: chr11-46726568-G-A.
Other names: c.1294G>A, p.Asp432Asn (NM_001184751.2); short protein forms D432N, D440N.
Identifiers: ClinVar variation 3364754 (VCV003364754.1).

ClinVar aggregate classification (germline): Uncertain significance (1 of 4 stars; one submission).

Submission:

GeneDx
Classification: Uncertain significance. Last evaluated: 2023-11-28. Review status: criteria provided, single submitter. Criteria: GeneDx Variant Classification Process June 2021. Collection method: clinical testing. Allele origin: germline. Affected: yes.
Comment: Not observed at significant frequency in large population cohorts (gnomAD); In silico analysis supports that this missense variant does not alter protein structure/function; Has not been previously published as pathogenic or benign to our knowledge